The following is an entry in ClinVar:

ClinVar aggregate classification (germline): Uncertain significance (1 of 4 stars; one submission).

Conditions:
Ataxia-telangiectasia syndrome (AT). Also called: Ataxia telangiectasia (A-T); LOUIS-BAR SYNDROME; Cerebello-oculocutaneous telangiectasia; Immunodeficiency with ataxia telangiectasia; Ataxia-telangiectasia, complementation group E; Ataxia-telangiectasia. Identifiers: Orphanet 100, MedGen C0004135, MONDO:0008840, OMIM 208900.

Submission:

Labcorp Genetics (formerly Invitae), Labcorp
Classification: Uncertain significance for Ataxia-telangiectasia syndrome. Last evaluated: 2024-05-27. Review status: criteria provided, single submitter. Criteria: Invitae Variant Classification Sherloc (09022015). Collection method: clinical testing. Allele origin: germline.
Comment: This sequence change replaces leucine, which is neutral and non-polar, with tryptophan, which is neutral and slightly polar, at codon 1144 of the ATM protein (p.Leu1144Trp). This variant is not present in population databases (gnomAD no frequency). This variant has not been reported in the literature in individuals affected with ATM-related conditions. An algorithm developed to predict the effect of missense changes on protein structure and function (PolyPhen-2) suggests that this variant is likely to be disruptive. Algorithms developed to predict the effect of sequence changes on RNA splicing suggest that this variant may disrupt the consensus splice site. In summary, the available evidence is currently insufficient to determine the role of this variant in disease. Therefore, it has been classified as a Variant of Uncertain Significance.

NM_000051.4(ATM):c.3431T>G (p.Leu1144Trp)

Gene: ATM (ATM serine/threonine kinase; plus strand). Cytogenetic location: 11q22.3.
Variant type: single nucleotide variant.
Coding change: c.3431T>G on transcript NM_000051.4 (MANE Select); coding-DNA position 3431, T replaced by G.
Protein change: p.Leu1144Trp; replaces leucine 1144 with tryptophan.
Molecular consequence: missense variant.
Genome position (GRCh38, 1-based): chr11:108,281,023, T>G. VCF-style: chr11-108281023-T-G. GRCh37 (hg19) VCF-style: chr11-108151750-T-G.
Other names: c.3431T>G, p.Leu1144Trp (NM_001351834.2); short protein forms L1144W.
Identifiers: ClinVar variation 3690342 (VCV003690342.2).